The following is an entry in ClinVar:

NC_000008.10:g.(?_101174509)_(101174668_?)del

Gene: SPAG1 (sperm associated antigen 1; plus strand). Cytogenetic location: 8q22.2.
Variant type: Deletion.
Identifiers: ClinVar variation 1458709 (VCV001458709.5).

ClinVar aggregate classification (germline): Pathogenic (1 of 4 stars; one submission).

Conditions:
Primary ciliary dyskinesia 28. Also called: CILIARY DYSKINESIA, PRIMARY, 28, WITH OR WITHOUT SITUS INVERSUS. Identifiers: Orphanet 244, MedGen C3809706, MONDO:0014216, OMIM 615505.

Submission:

Labcorp Genetics (formerly Invitae), Labcorp
Classification: Pathogenic for Primary ciliary dyskinesia 28. Last evaluated: 2023-12-25. Review status: criteria provided, single submitter. Criteria: Invitae Variant Classification Sherloc (09022015). Collection method: clinical testing. Allele origin: germline.
Comment: This variant is a gross deletion of the genomic region encompassing exon(s) 2 of the SPAG1 gene, which includes the initiator codon. This deletion extends beyond the assayed region for this gene and therefore may encompass additional genes. It is expected to result in an absent or disrupted protein product. Loss-of-function variants in SPAG1 are known to be pathogenic (PMID: 24055112). A similar copy number variant has been observed in individual(s) with primary ciliary dyskinesia (PMID: 24055112, 27637300). For these reasons, this variant has been classified as Pathogenic.

Literature cited by the submitters: PubMed 24055112; PubMed 27637300.